The following is an entry in ClinVar:

NM_018834.6(MATR3):c.2180A>G (p.Asn727Ser)

Gene: MATR3 (matrin 3; plus strand). Cytogenetic location: 5q31.2.
Variant type: single nucleotide variant.
Coding change: c.2180A>G on transcript NM_018834.6 (MANE Select); coding-DNA position 2180, A replaced by G.
Protein change: p.Asn727Ser; replaces asparagine 727 with serine.
Molecular consequence: missense variant.
Genome position (GRCh38, 1-based): chr5:139,325,471, A>G. VCF-style: chr5-139325471-A-G. GRCh37 (hg19) VCF-style: chr5-138661160-A-G.
Other names: c.2180A>G, p.Asn727Ser (NM_001194954.2, NM_001194955.2, NM_199189.3); c.1316A>G, p.Asn439Ser (NM_001194956.2); c.1166A>G, p.Asn389Ser (NM_001282278.2); short protein forms N727S, N389S, N439S.
Identifiers: ClinVar variation 571163 (VCV000571163.9), dbSNP rs1468138513, ClinGen allele CA361146078.

ClinVar aggregate classification (germline): Uncertain significance (1 of 4 stars; one submission).

Conditions:
Amyotrophic lateral sclerosis type 21. Also called: VOCAL CORD AND PHARYNGEAL DYSFUNCTION WITH DISTAL MYOPATHY; MYOPATHY, DISTAL, 2. Identifiers: Orphanet 600, Orphanet 803, MedGen C3807521, MONDO:0011632, OMIM 606070.

Allele frequency attached by ClinVar (database versions not stated): gnomAD exomes below 0.00001 and 0.00001.
gnomAD v4.1: 2 of 1,614,196 alleles (0.00012%); highest among the groups gnomAD compares: South Asian, 0.0022%; no homozygotes.

Submission:

Labcorp Genetics (formerly Invitae), Labcorp
Classification: Uncertain significance for Amyotrophic lateral sclerosis type 21. Last evaluated: 2020-02-10. Review status: criteria provided, single submitter. Criteria: Invitae Variant Classification Sherloc (09022015). Collection method: clinical testing. Allele origin: germline.
Comment: This sequence change replaces asparagine with serine at codon 727 of the MATR3 protein (p.Asn727Ser). The asparagine residue is moderately conserved and there is a small physicochemical difference between asparagine and serine. This variant is not present in population databases (ExAC no frequency). This variant has not been reported in the literature in individuals with MATR3-related disease. Algorithms developed to predict the effect of missense changes on protein structure and function output the following: SIFT: "Tolerated"; PolyPhen-2: "Benign"; Align-GVGD: "Class C0". The serine amino acid residue is found in multiple mammalian species, suggesting that this missense change does not adversely affect protein function. These predictions have not been confirmed by published functional studies and their clinical significance is uncertain. In summary, the available evidence is currently insufficient to determine the role of this variant in disease. Therefore, it has been classified as a Variant of Uncertain Significance.